The following is an entry in ClinVar:

ClinVar aggregate classification (germline): Pathogenic. Review status: criteria provided, multiple submitters, no conflicts (2 of 4 stars). 4 submissions from 4 submitters: Pathogenic (4). Last evaluated 2025-05-22.

Conditions:
Hereditary breast ovarian cancer syndrome. Also called: Hereditary breast and ovarian cancer syndrome; BRCA1- and BRCA2-Associated Hereditary Breast and Ovarian Cancer; Hereditary breast and ovarian cancer; Hereditary breast and ovarian cancer syndrome (HBOC); Breast and ovarian cancer; Hereditary breast and/or ovarian cancer syndrome. Identifiers: Orphanet 145, MedGen C0677776, MeSH D061325, MONDO:0003582. Disease mechanism: loss of function.
Hereditary cancer-predisposing syndrome. Also called: Neoplastic Syndromes, Hereditary; Tumor predisposition; Hereditary Cancer Syndrome; Hereditary neoplastic syndrome. Identifiers: Orphanet 140162, MedGen C0027672, MeSH D009386, MONDO:0015356.

Allele frequency attached by ClinVar (database versions not stated): gnomAD exomes below 0.00001.
gnomAD v4.1: 1 of 1,610,740 alleles (0.000062%); highest among the groups gnomAD compares: African/African-American, 0.0013%; no homozygotes.

Submissions (4):

Labcorp Genetics (formerly Invitae), Labcorp
Classification: Pathogenic for Hereditary breast ovarian cancer syndrome. Last evaluated: 2025-05-22. Review status: criteria provided, single submitter. Criteria: Invitae Variant Classification Sherloc (09022015). Collection method: clinical testing. Allele origin: germline.
Comment: This sequence change creates a premature translational stop signal (p.Gln347*) in the BRCA2 gene. It is expected to result in an absent or disrupted protein product. Loss-of-function variants in BRCA2 are known to be pathogenic (PMID: 20104584). This variant is present in population databases (no rsID available, gnomAD 0.007%). This premature translational stop signal has been observed in individual(s) with breast cancer (PMID: 33461583). ClinVar contains an entry for this variant (Variation ID: 925974). For these reasons, this variant has been classified as Pathogenic.

GeneDx
Classification: Pathogenic. Last evaluated: 2024-06-26. Review status: criteria provided, single submitter. Criteria: GeneDx Variant Classification Process June 2021. Collection method: clinical testing. Allele origin: germline. Affected: yes.
Comment: Nonsense variant predicted to result in protein truncation or nonsense mediated decay in a gene for which loss of function is a known mechanism of disease; Not observed at significant frequency in large population cohorts (gnomAD); Truncating variants in this gene are considered pathogenic by a well-established clinical consortium and/or database; Has not been previously published as pathogenic or benign to our knowledge; Also known as 1267C>T; This variant is associated with the following publications: (PMID: 31892343, 29922827)

Ambry Genetics
Classification: Pathogenic for Hereditary cancer-predisposing syndrome. Last evaluated: 2020-04-03. Review status: criteria provided, single submitter. Criteria: Ambry Variant Classification Scheme 2023. Collection method: clinical testing. Allele origin: germline.
Comment: The p.Q347* pathogenic mutation (also known as c.1039C>T), located in coding exon 9 of the BRCA2 gene, results from a C to T substitution at nucleotide position 1039. This changes the amino acid from a glutamine to a stop codon within coding exon 9. This alteration is expected to result in loss of function by premature protein truncation or nonsense-mediated mRNA decay. As such, this alteration is interpreted as a disease-causing mutation.

Color Diagnostics, LLC DBA Color Health
Classification: Pathogenic for Hereditary cancer-predisposing syndrome. Last evaluated: 2020-01-15. Review status: criteria provided, single submitter. Criteria: ACMG Guidelines, 2015. Collection method: clinical testing. Allele origin: germline.
Comment: This variant changes 1 nucleotide in exon 10 of the BRCA2 gene, creating a premature translation stop signal. This variant is expected to result in an absent or non-functional protein product. This variant has been identified in 1/248006 chromosomes in the general population by the Genome Aggregation Database (gnomAD). Loss of BRCA2 function is a known mechanism of disease. Based on the available evidence, this variant is classified as Pathogenic.

Literature cited by the submitters: PubMed 20104584 (cited by Labcorp Genetics (formerly Invitae), Labcorp); PubMed 33461583 (cited by Labcorp Genetics (formerly Invitae), Labcorp); PubMed 29922827 (cited by Ambry Genetics); PubMed 31892343 (cited by Ambry Genetics).

NM_000059.4(BRCA2):c.1039C>T (p.Gln347Ter)

Gene: BRCA2 (BRCA2 DNA repair associated; plus strand). Cytogenetic location: 13q13.1.
Variant type: single nucleotide variant.
Coding change: c.1039C>T on transcript NM_000059.4 (MANE Select); coding-DNA position 1039, C replaced by T.
Protein change: p.Gln347Ter; replaces glutamine 347 with a stop codon.
Molecular consequence: nonsense.
Genome position (GRCh38, 1-based): chr13:32,332,517, C>T. VCF-style: chr13-32332517-C-T. GRCh37 (hg19) VCF-style: chr13-32906654-C-T.
Other names: short protein forms Q347*.
Identifiers: ClinVar variation 925974 (VCV000925974.11), dbSNP rs794726967, ClinGen allele CA387761225.